The following is an entry in ClinVar:

ClinVar aggregate classification (germline): Pathogenic (1 of 4 stars; one submission).

Conditions:
Tessadori-van Haaften neurodevelopmental syndrome 1 (TEBIVANED1). Also called: TESSADORI-BICKNELL-VAN HAAFTEN NEURODEVELOPMENTAL SYNDROME 1. Identifiers: MedGen C5676922, MONDO:0030729, OMIM 619758.

Submission:

Victorian Clinical Genetics Services, Murdoch Childrens Research Institute
Classification: Pathogenic for Tessadori-van Haaften neurodevelopmental syndrome 1. Last evaluated: 2022-02-02. Review status: criteria provided, single submitter. Criteria: ACMG Guidelines, 2015. Collection method: clinical testing. Allele origin: germline. Inheritance: Autosomal dominant inheritance. Affected: yes.
Comment: Based on the classification scheme VCGS_Germline_v1.3.4, this variant is classified as Pathogenic. Following criteria are met: 0105 - The mechanism of disease for this gene is not clearly established. (I) 0107 - This gene is associated with autosomal dominant disease. (I) 0200 - Variant is predicted to result in a missense amino acid change from lysine to glutamic acid. (I) 0251 - This variant is heterozygous. (I) 0301 - Variant is absent from gnomAD (both v2 and v3). (SP) 0502 - Missense variant with conflicting in silico predictions and uninformative conservation. (I) 0601 - Variant is located in a well-established post-translational modification site. Post-translational modification of this residue in histone H4 is important for chromatin remodeling and DNA damage repair (PMID: 19818714, 15808514). (SP) 0703 - Other missense variants comparable to the one identified in this case have moderate previous evidence for pathogenicity. p.(Lys92Gln) was found de novo in an individual with growth delay, microcephaly, and intellectual disability (PMID:28920961); and found de novo and classified as pathogenic by a diagnostic laboratory in ClinVar. In the same study, p.(Lys92Arg) was reported in a pair of siblings with growth delay, microcephaly, and intellectual disability; and was inherited from their mosaic father. (SP) 0807 - This variant has no previous evidence of pathogenicity. (I) 0905 - No published segregation evidence has been identified for this variant. (I) 1007 - No published functional evidence has been identified for this variant. (SP) Legend: (SP) - Supporting pathogenic, (I) - Information, (SB) - Supporting benign

Literature cited by the submitters: PubMed 28920961; PubMed 15808514; PubMed 19818714.

NM_003542.4(H4C3):c.274A>G (p.Lys92Glu)

Gene: H4C3 (H4 clustered histone 3; plus strand). Cytogenetic location: 6p22.2.
Variant type: single nucleotide variant.
Coding change: c.274A>G on transcript NM_003542.4 (MANE Select); coding-DNA position 274, A replaced by G.
Protein change: p.Lys92Glu; replaces lysine 92 with glutamic acid.
Molecular consequence: missense variant.
Genome position (GRCh38, 1-based): chr6:26,104,221, A>G. VCF-style: chr6-26104221-A-G. GRCh37 (hg19) VCF-style: chr6-26104449-A-G.
Other names: short protein forms K92E.
Identifiers: ClinVar variation 1699322 (VCV001699322.3), dbSNP rs1763200003, ClinGen allele CA363181782.